The following is an entry in ClinVar:

NM_001267550.2(TTN):c.39057G>C (p.Pro13019=)

Gene: TTN (titin; minus strand). Cytogenetic location: 2q31.2.
Variant type: single nucleotide variant.
Coding change: c.39057G>C on transcript NM_001267550.2 (MANE Select); coding-DNA position 39057, G replaced by C.
Protein change: p.Pro13019=; no amino-acid change (proline 13019 retained).
Molecular consequence: synonymous variant. On other transcripts: intron variant (3).
Genome position (GRCh38, 1-based): chr2:178,652,528, C>G on the plus strand (G>C on the coding strand, the complement: TTN is on the minus strand). VCF-style: chr2-178652528-C-G. GRCh37 (hg19) VCF-style: chr2-179517255-C-G.
Other names: c.34536G>C, p.Pro11512= (NM_001256850.1); c.31755G>C, p.Pro10585= (NM_133378.4); c.13283-10211G>C (NM_003319.4); c.13859-10211G>C (NM_133437.4); c.13658-10211G>C (NM_133432.3).
Identifiers: ClinVar variation 404997 (VCV000404997.31), dbSNP rs371945519, ClinGen allele CA1996879.

ClinVar aggregate classification (germline): Conflicting classifications of pathogenicity. Review status: criteria provided, conflicting classifications (1 of 4 stars). 5 submissions from 5 submitters: Uncertain significance (1); Likely benign (3). 1 of the submissions does not count toward it. Last evaluated 2026-01-10.

Conditions:
Cardiomyopathy (CMYO). Also called: Cardiomyopathies. Identifiers: Orphanet 167848, MedGen C0878544, MONDO:0004994, HP:0001638. Inheritance: Various modes of inheritance.
Autosomal recessive limb-girdle muscular dystrophy type 2J (LGMDR10). Also called: Limb-girdle muscular dystrophy, type 2J; MUSCULAR DYSTROPHY, LIMB-GIRDLE, AUTOSOMAL RECESSIVE 10. Identifiers: Orphanet 140922, MedGen C1837342, MONDO:0012127, OMIM 608807.
Dilated cardiomyopathy 1G (CMD1G). Identifiers: Orphanet 154, MedGen C1858763, MONDO:0011400, OMIM 604145.
TTN-related disorder. Also called: TTN-related condition; TTN-related disease; TTN-related disorders.

Allele frequency attached by ClinVar (database versions not stated): 1000 Genomes Project 30x 0.00047.

Submissions (5):

Women's Health and Genetics/Laboratory Corporation of America, LabCorp
Classification: Likely benign. Last evaluated: 2026-01-10. Review status: criteria provided, single submitter. Criteria: LabCorp Variant Classification Summary - May 2015. Collection method: clinical testing. Allele origin: germline.

CeGaT Center for Human Genetics Tuebingen
Classification: Likely benign. Last evaluated: 2022-10-01. Review status: criteria provided, single submitter. Criteria: CeGaT Center For Human Genetics Tuebingen Variant Classification Criteria Version 2. Collection method: clinical testing. Allele origin: germline. Affected: yes. Observed: 1 variant allele.
Comment: TTN: BP4, BP7

CHEO Genetics Diagnostic Laboratory, Children's Hospital of Eastern Ontario
Classification: Likely benign for Cardiomyopathy. Last evaluated: 2018-06-27. Review status: criteria provided, single submitter. Criteria: ACMG Guidelines, 2015. Collection method: clinical testing. Allele origin: germline.

Labcorp Genetics (formerly Invitae), Labcorp
Classification: Uncertain significance for Dilated cardiomyopathy 1G; Autosomal recessive limb-girdle muscular dystrophy type 2J. Last evaluated: 2016-04-04. Review status: criteria provided, single submitter. Criteria: Invitae Variant Classification Sherloc (09022015). Collection method: clinical testing. Allele origin: germline.

PreventionGenetics, part of Exact Sciences
Classification: Likely benign for TTN-related condition. Last evaluated: 2023-01-20. Review status: no assertion criteria provided. Collection method: clinical testing. Allele origin: germline. Not counted in ClinVar's aggregate classification.
Comment: This variant is classified as likely benign based on ACMG/AMP sequence variant interpretation guidelines (Richards et al. 2015 PMID: 25741868, with internal and published modifications).